The following is an entry in ClinVar:

ClinVar aggregate classification (germline): Uncertain significance (1 of 4 stars; one submission).

Conditions:
Gastrointestinal stromal tumor. Also called: Gastrointestinal stromal tumor, somatic; Gastrointestinal stroma tumor. Identifiers: Orphanet 44890, MedGen C0238198, MeSH D046152, MONDO:0011719, OMIM 606764, HP:0100723.

Submission:

Labcorp Genetics (formerly Invitae), Labcorp
Classification: Uncertain significance for Gastrointestinal stromal tumor. Last evaluated: 2023-07-03. Review status: criteria provided, single submitter. Criteria: Invitae Variant Classification Sherloc (09022015). Collection method: clinical testing. Allele origin: germline.
Comment: This variant is not present in population databases (gnomAD no frequency). This sequence change replaces leucine, which is neutral and non-polar, with isoleucine, which is neutral and non-polar, at codon 792 of the PDGFRA protein (p.Leu792Ile). This variant has not been reported in the literature in individuals affected with PDGFRA-related conditions. In summary, the available evidence is currently insufficient to determine the role of this variant in disease. Therefore, it has been classified as a Variant of Uncertain Significance. Advanced modeling of protein sequence and biophysical properties (such as structural, functional, and spatial information, amino acid conservation, physicochemical variation, residue mobility, and thermodynamic stability) performed at Invitae indicates that this missense variant is not expected to disrupt PDGFRA protein function.

NM_006206.6(PDGFRA):c.2374T>A (p.Leu792Ile)

Gene: PDGFRA (platelet derived growth factor receptor alpha; plus strand). Cytogenetic location: 4q12.
Variant type: single nucleotide variant.
Coding change: c.2374T>A on transcript NM_006206.6 (MANE Select); coding-DNA position 2374, T replaced by A.
Protein change: p.Leu792Ile; replaces leucine 792 with isoleucine.
Molecular consequence: missense variant.
Genome position (GRCh38, 1-based): chr4:54,285,421, T>A. VCF-style: chr4-54285421-T-A. GRCh37 (hg19) VCF-style: chr4-55151588-T-A.
Other names: c.2449T>A, p.Leu817Ile (NM_001347828.2); c.2374T>A, p.Leu792Ile (NM_001347829.2); c.2413T>A, p.Leu805Ile (NM_001347830.2); short protein forms L792I, L805I, L817I.
Identifiers: ClinVar variation 2982189 (VCV002982189.3), dbSNP rs2475545956, ClinGen allele CA356894683.